The following is an entry in ClinVar:

NM_001378452.1(ITPR1):c.5164G>T (p.Ala1722Ser)

Gene: ITPR1 (inositol 1,4,5-trisphosphate receptor type 1; plus strand). Cytogenetic location: 3p26.1.
Variant type: single nucleotide variant.
Coding change: c.5164G>T on transcript NM_001378452.1 (MANE Select); coding-DNA position 5164, G replaced by T.
Protein change: p.Ala1722Ser; replaces alanine 1722 with serine.
Molecular consequence: missense variant. On other transcripts: intron variant (2).
Genome position (GRCh38, 1-based): chr3:4,725,573, G>T. VCF-style: chr3-4725573-G-T. GRCh37 (hg19) VCF-style: chr3-4767257-G-T.
Other names: c.5119G>T, p.Ala1707Ser (NM_001168272.2); c.5077-7515G>T (NM_001099952.4); c.5032-7515G>T (NM_002222.7); short protein forms A1707S, A1722S.
Identifiers: ClinVar variation 5021012 (VCV005021012.1).

ClinVar aggregate classification (germline): Uncertain significance (1 of 4 stars; one submission).

Submission:

Dasa
Classification: Uncertain significance. Last evaluated: 2025-01-22. Review status: criteria provided, single submitter. Criteria: DASA Assertion Criteria. Collection method: clinical testing. Allele origin: germline.
Comment: NM_001378452.1(ITPR1):c.5164G>T (p.Ala1722Ser) is a missense variant that results in the substitution of alanine with serine. This variant is absent from population databases. Computational prediction algorithms are consistent with a benign effect. The currently available literature and clinical evidence are not sufficient to establish a definitive association between this variant and the reported condition. Therefore, this variant is classified as a variant of uncertain significance.